The following is an entry in ClinVar:

ClinVar aggregate classification (germline): Pathogenic (1 of 4 stars; one submission).

Conditions:
Naxos disease (NXD). Also called: WOOLLY HAIR, PALMOPLANTAR KERATODERMA, AND CARDIAC ABNORMALITIES; KERATOSIS PALMOPLANTARIS WITH ARRHYTHMOGENIC CARDIOMYOPATHY; MAL DE NAXOS; PALMOPLANTAR KERATODERMA WITH ARRHYTHMOGENIC RIGHT VENTRICULAR CARDIOMYOPATHY AND WOOLLY HAIR; CARDIOMYOPATHY, ARRHYTHMOGENIC RIGHT VENTRICULAR, WITH SKIN, HAIR, AND NAIL ABNORMALITIES. Identifiers: Orphanet 34217, MedGen C1832600, MONDO:0011017, OMIM 601214.
Arrhythmogenic right ventricular dysplasia 12. Also called: ARRHYTHMOGENIC RIGHT VENTRICULAR DYSPLASIA, FAMILIAL, 12. Identifiers: MedGen C1969081, MONDO:0012684, OMIM 611528.

Submission:

Labcorp Genetics (formerly Invitae), Labcorp
Classification: Pathogenic for Arrhythmogenic right ventricular dysplasia 12; Naxos disease. Last evaluated: 2022-08-22. Review status: criteria provided, single submitter. Criteria: Invitae Variant Classification Sherloc (09022015). Collection method: clinical testing. Allele origin: germline.
Comment: This variant is a gross deletion of the genomic region encompassing exon(s) 2 of the JUP gene, which includes the initiator codon. This deletion extends beyond the assayed region for this gene and therefore may encompass additional genes. It is expected to result in an absent or disrupted protein product. Loss-of-function variants in JUP are known to be pathogenic (PMID: 10902626). This variant has not been reported in the literature in individuals affected with JUP-related conditions. For these reasons, this variant has been classified as Pathogenic.

Literature cited by the submitters: PubMed 10902626.

NC_000017.11:g.(?_41771637)_(41771864_?)del

Gene: JUP (junction plakoglobin; minus strand). Cytogenetic location: 17q21.2.
Variant type: Deletion.
Identifiers: ClinVar variation 831627 (VCV000831627.3).